The following is an entry in ClinVar:

NM_001364171.2(ODAD1):c.874G>A (p.Val292Ile)

Gene: ODAD1 (outer dynein arm docking complex subunit 1; minus strand). Cytogenetic location: 19q13.33.
Variant type: single nucleotide variant.
Coding change: c.874G>A on transcript NM_001364171.2 (MANE Select); coding-DNA position 874, G replaced by A.
Protein change: p.Val292Ile; replaces valine 292 with isoleucine.
Molecular consequence: missense variant.
Genome position (GRCh38, 1-based): chr19:48,303,764, C>T on the plus strand (G>A on the coding strand, the complement: ODAD1 is on the minus strand). VCF-style: chr19-48303764-C-T. GRCh37 (hg19) VCF-style: chr19-48807021-C-T.
Other names: c.763G>A, p.Val255Ile (NM_144577.4); short protein forms V255I, V292I.
Identifiers: ClinVar variation 574685 (VCV000574685.14), dbSNP rs571330368, ClinGen allele CA9548916.

ClinVar aggregate classification (germline): Likely benign. Review status: criteria provided, multiple submitters, no conflicts (2 of 4 stars). 3 submissions from 3 submitters: Likely benign (3). Last evaluated 2026-09-11.

Conditions:
Primary ciliary dyskinesia. Also called: Ciliary dyskinesia. Identifiers: Orphanet 244, MedGen C0008780, MONDO:0016575, HP:0012265.
ODAD1-related disorder. Also called: ODAD1-related condition.

Allele frequency attached by ClinVar (database versions not stated): 1000 Genomes Project 0.00020; ExAC 0.00025; TOPMed 0.00040; 1000 Genomes Project 30x 0.00047.
gnomAD v4.1: 219 of 1,611,328 alleles (0.014%); highest among the groups gnomAD compares: East Asian, 0.24%; 2 homozygotes.

Submissions (3):

PreventionGenetics, part of Exact Sciences
Classification: Likely benign for ODAD1-related condition. Last evaluated: 2026-09-11. Review status: criteria provided, single submitter. Criteria: ACMG Guidelines, 2015. Collection method: clinical testing. Allele origin: germline.
Comment: This variant is classified as likely benign based on ACMG/AMP sequence variant interpretation guidelines (Richards et al. 2015 PMID: 25741868, with internal and published modifications).

Labcorp Genetics (formerly Invitae), Labcorp
Classification: Likely benign for Primary ciliary dyskinesia. Last evaluated: 2025-12-31. Review status: criteria provided, single submitter. Criteria: Invitae Variant Classification Sherloc (09022015). Collection method: clinical testing. Allele origin: germline.

Ambry Genetics
Classification: Likely benign for Primary ciliary dyskinesia. Last evaluated: 2022-05-02. Review status: criteria provided, single submitter. Criteria: Ambry Variant Classification Scheme 2023. Collection method: clinical testing. Allele origin: germline.